The following is an entry in ClinVar:

NM_000264.5(PTCH1):c.4042A>G (p.Asn1348Asp)

Gene: PTCH1 (patched 1; minus strand). Cytogenetic location: 9q22.32.
Variant type: single nucleotide variant.
Coding change: c.4042A>G on transcript NM_000264.5 (MANE Select); coding-DNA position 4042, A replaced by G.
Protein change: p.Asn1348Asp; replaces asparagine 1348 with aspartic acid.
Molecular consequence: missense variant. On other transcripts: non-coding transcript variant (1).
Genome position (GRCh38, 1-based): chr9:95,447,214, T>C on the plus strand (A>G on the coding strand, the complement: PTCH1 is on the minus strand). VCF-style: chr9-95447214-T-C. GRCh37 (hg19) VCF-style: chr9-98209496-T-C.
Other names: c.3844A>G, p.Asn1282Asp (NM_001083602.3); c.4039A>G, p.Asn1347Asp (NM_001083603.3); c.3589A>G, p.Asn1197Asp (NM_001083604.3, NM_001083605.3, NM_001083606.3 and 1 more transcripts); c.3886A>G, p.Asn1296Asp (NM_001354918.2); short protein forms N1282D, N1348D, N1197D, N1296D, N1347D.
Identifiers: ClinVar variation 409143 (VCV000409143.21), dbSNP rs766576144, ClinGen allele CA5137969.

ClinVar aggregate classification (germline): Conflicting classifications of pathogenicity. Review status: criteria provided, conflicting classifications (1 of 4 stars). 3 submissions from 3 submitters: Uncertain significance (2); Likely benign (1). Last evaluated 2026-05-01.

Conditions:
Hereditary cancer-predisposing syndrome. Also called: Tumor predisposition; Hereditary neoplastic syndrome; Hereditary Cancer Syndrome; Neoplastic Syndromes, Hereditary. Identifiers: Orphanet 140162, MedGen C0027672, MeSH D009386, MONDO:0015356.
Gorlin syndrome. Also called: Nevoid Basal Cell Carcinoma Syndrome; Basal cell nevus syndrome. Identifiers: Orphanet 377, MedGen C0004779, MONDO:0007187.

Allele frequency attached by ClinVar (database versions not stated): gnomAD exomes 0.00001; TOPMed 0.00001; ExAC 0.00003.
gnomAD v4.1: 11 of 1,612,888 alleles (0.00068%); highest among the groups gnomAD compares: Non-Finnish European, 0.00093%; no homozygotes.

Submissions (3):

CeGaT Center for Human Genetics Tuebingen
Classification: Uncertain significance. Last evaluated: 2026-05-01. Review status: criteria provided, single submitter. Criteria: CeGaT Center For Human Genetics Tuebingen Variant Classification Criteria Version 2. Collection method: clinical testing. Allele origin: germline. Affected: yes. Observed: 2 variant alleles.

Labcorp Genetics (formerly Invitae), Labcorp
Classification: Likely benign for Gorlin syndrome. Last evaluated: 2025-10-28. Review status: criteria provided, single submitter. Criteria: Invitae Variant Classification Sherloc (09022015). Collection method: clinical testing. Allele origin: germline.

Ambry Genetics
Classification: Uncertain significance for Hereditary cancer-predisposing syndrome. Last evaluated: 2023-11-15. Review status: criteria provided, single submitter. Criteria: Ambry Variant Classification Scheme 2023. Collection method: clinical testing. Allele origin: germline.
Comment: The p.N1348D variant (also known as c.4042A>G), located in coding exon 23 of the PTCH1 gene, results from an A to G substitution at nucleotide position 4042. The asparagine at codon 1348 is replaced by aspartic acid, an amino acid with highly similar properties. This amino acid position is not well conserved in available vertebrate species. In addition, this alteration is predicted to be tolerated by in silico analysis. Since supporting evidence is limited at this time, the clinical significance of this alteration remains unclear.